The following is an entry in ClinVar:

ClinVar aggregate classification (germline): Uncertain significance. Review status: criteria provided, multiple submitters, no conflicts (2 of 4 stars). 2 submissions from 2 submitters: Uncertain significance (2). Last evaluated 2023-12-20.

Conditions:
Autosomal recessive limb-girdle muscular dystrophy type 2D (LGMDR3). Also called: ADHALINOPATHY, PRIMARY; DUCHENNE-LIKE AUTOSOMAL RECESSIVE MUSCULAR DYSTROPHY, TYPE 2; MUSCULAR DYSTROPHY, LIMB-GIRDLE, AUTOSOMAL RECESSIVE 3. Identifiers: Orphanet 62, MedGen C2936332, MONDO:0011968, OMIM 608099. Disease mechanism: Affects gamma-sarcoglycan and also disrupts the integrity of the entire sarcoglycan complex..

gnomAD v4.1: 4 of 1,576,096 alleles (0.00025%); highest among the groups gnomAD compares: East Asian, 0.0069%; no homozygotes.

Submissions (2):

Revvity Omics, Revvity
Classification: Uncertain significance for Autosomal recessive limb-girdle muscular dystrophy type 2D. Last evaluated: 2023-12-20. Review status: criteria provided, single submitter. Criteria: ACMG Guidelines, 2015. Collection method: clinical testing. Allele origin: germline.

Labcorp Genetics (formerly Invitae), Labcorp
Classification: Uncertain significance for Autosomal recessive limb-girdle muscular dystrophy type 2D. Last evaluated: 2021-08-27. Review status: criteria provided, single submitter. Criteria: Invitae Variant Classification Sherloc (09022015). Collection method: clinical testing. Allele origin: germline.
Comment: This sequence change replaces arginine with leucine at codon 181 of the SGCA protein (p.Arg181Leu). The arginine residue is highly conserved and there is a moderate physicochemical difference between arginine and leucine. This variant is not present in population databases (ExAC no frequency). This variant has not been reported in the literature in individuals affected with SGCA-related conditions. Advanced modeling of protein sequence and biophysical properties (such as structural, functional, and spatial information, amino acid conservation, physicochemical variation, residue mobility, and thermodynamic stability) performed at Invitae indicates that this missense variant is expected to disrupt SGCA protein function. In summary, the available evidence is currently insufficient to determine the role of this variant in disease. Therefore, it has been classified as a Variant of Uncertain Significance.

NM_000023.4(SGCA):c.542G>T (p.Arg181Leu)

Gene: SGCA (sarcoglycan alpha; plus strand). Cytogenetic location: 17q21.33.
Variant type: single nucleotide variant.
Coding change: c.542G>T on transcript NM_000023.4 (MANE Select); coding-DNA position 542, G replaced by T.
Protein change: p.Arg181Leu; replaces arginine 181 with leucine.
Molecular consequence: missense variant. On other transcripts: non-coding transcript variant (1).
Genome position (GRCh38, 1-based): chr17:50,168,530, G>T. VCF-style: chr17-50168530-G-T. GRCh37 (hg19) VCF-style: chr17-48245891-G-T.
Other names: c.542G>T, p.Arg181Leu (NM_001135697.3); short protein forms R181L.
Identifiers: ClinVar variation 1018567 (VCV001018567.7), dbSNP rs746412103, ClinGen allele CA400180085.
Genomic context (GRCh38, chr17:50,168,530, plus strand): 5'-TGGGGGGACTCTGGGAGCCCGGAGAGCTTCAGCTGCTCAACGTCACCTCTGCCTTGGACC[G>T]TGGGGGCCGTGTCCCCCTTCCCATTGAGGGCCGAAAAGAAGGGTAGGTGTGCAACCCTAG-3'
Protein context (NP_000014.1, residues 171-191): QLLNVTSALD[Arg181Leu]GGRVPLPIEG